The following is an entry in ClinVar:

ClinVar aggregate classification (germline): Uncertain significance (1 of 4 stars; one submission).

Conditions:
Hereditary cancer-predisposing syndrome. Also called: Hereditary Cancer Syndrome; Hereditary neoplastic syndrome; Neoplastic Syndromes, Hereditary; Tumor predisposition. Identifiers: Orphanet 140162, MedGen C0027672, MeSH D009386, MONDO:0015356.

Submission:

Ambry Genetics
Classification: Uncertain significance for Hereditary cancer-predisposing syndrome. Last evaluated: 2026-07-02. Review status: criteria provided, single submitter. Criteria: Ambry Variant Classification Scheme 2023. Collection method: clinical testing. Allele origin: germline.
Comment: The p.F1035L variant (also known as c.3105C>A), located in coding exon 26 of the TSC2 gene, results from a C to A substitution at nucleotide position 3105. The phenylalanine at codon 1035 is replaced by leucine, an amino acid with highly similar properties. This amino acid position is highly conserved in available vertebrate species. In addition, this alteration is predicted to be deleterious by in silico analysis. Based on the available evidence, the clinical significance of this variant remains unclear.

NM_000548.5(TSC2):c.3105C>A (p.Phe1035Leu)

Gene: TSC2 (TSC complex subunit 2; plus strand). Cytogenetic location: 16p13.3.
Variant type: single nucleotide variant.
Coding change: c.3105C>A on transcript NM_000548.5 (MANE Select); coding-DNA position 3105, C replaced by A.
Protein change: p.Phe1035Leu; replaces phenylalanine 1035 with leucine.
Molecular consequence: missense variant.
Genome position (GRCh38, 1-based): chr16:2,079,170, C>A. VCF-style: chr16-2079170-C-A. GRCh37 (hg19) VCF-style: chr16-2129171-C-A.
Other names: c.3102C>A, p.Phe1034Leu (NM_001406663.1, NM_001406664.1); c.2973C>A, p.Phe991Leu (NM_001406665.1, NM_001077183.3, NM_001370404.1); c.3066C>A, p.Phe1022Leu (NM_001406667.1); c.3063C>A, p.Phe1021Leu (NM_001406668.1); c.2994C>A, p.Phe998Leu (NM_001406670.1); c.2964C>A, p.Phe988Leu (NM_001406671.1); c.2961C>A, p.Phe987Leu (NM_001406673.1); c.2958C>A, p.Phe986Leu (NM_001406675.1); and 18 more; short protein forms F1035L, F834L, F838L, F985L, F986L, F991L, F992L, F1021L.
Identifiers: ClinVar variation 1727681 (VCV001727681.3), dbSNP rs2151434410, ClinGen allele CA394284804.